The following is an entry in ClinVar:

NM_001349338.3(FOXP1):c.1429-1G>A

Genes: FOXP1 (forkhead box P1; minus strand), LOC126806714 (BRD4-independent group 4 enhancer GRCh37_chr3:71025197-71026396; plus strand). Cytogenetic location: 3p13.
Variant type: single nucleotide variant.
Coding change: c.1429-1G>A on transcript NM_001349338.3 (MANE Select); the canonical splice acceptor site of the intron before coding-DNA position 1429, G replaced by A.
Molecular consequence: splice acceptor variant.
Genome position (GRCh38, 1-based): chr3:70,977,043, C>T on the plus strand (G>A on the coding strand, the complement: FOXP1 is on the minus strand). VCF-style: chr3-70977043-C-T. GRCh37 (hg19) VCF-style: chr3-71026194-C-T.
Other names: c.1429-1G>A (NM_001244810.2, NM_032682.6, NM_001349340.3 and 2 more transcripts); c.1426-1G>A (NM_001349341.3, NM_001244808.3); c.1201-1G>A (NM_001244812.3); c.1126-1G>A (NM_001349343.3, NM_001349337.2, NM_001370548.1 and 1 more transcripts); c.1129-1G>A (NM_001349342.3, NM_001244815.2, NM_001244813.3).
Identifiers: ClinVar variation 2431581 (VCV002431581.2), dbSNP rs2545110803, ClinGen allele CA353493183.

ClinVar aggregate classification (germline): Likely pathogenic. Review status: criteria provided, multiple submitters, no conflicts (2 of 4 stars). 2 submissions from 2 submitters: Likely pathogenic (2). Last evaluated 2026-07-01.

Conditions:
Intellectual disability-severe speech delay-mild dysmorphism syndrome (IDDLA). Also called: Mental retardation with language impairment and autistic features; FOXP1 Syndrome; Intellectual developmental disorder with language impairment AND with or without autistic features. Identifiers: Orphanet 391372, MedGen C4013764, MONDO:0013352, OMIM 613670.

Submissions (2):

Institute of Human Genetics, University of Leipzig Medical Center
Classification: Likely pathogenic for Intellectual disability-severe speech delay-mild dysmorphism syndrome. Last evaluated: 2026-07-01. Review status: criteria provided, single submitter. Criteria: ACMG Guidelines, 2015. Collection method: clinical testing. Allele origin: unknown. Inheritance: Autosomal dominant inheritance. Affected: yes.
Comment: Criteria applied: PVS1_STR,PM2

Laboratorio de Genetica e Diagnostico Molecular, Hospital Israelita Albert Einstein
Classification: Likely pathogenic for Intellectual disability-severe speech delay-mild dysmorphism syndrome. Last evaluated: 2022-06-21. Review status: criteria provided, single submitter. Criteria: ACMG Guidelines, 2015. Collection method: clinical testing. Allele origin: germline. Affected: yes. Observed: 1 variant allele.
Comment: ACMG classification criteria: PVS1 very strong, PM2 moderated